The following is an entry in ClinVar:

ClinVar aggregate classification (germline): Benign/Likely benign. Review status: criteria provided, multiple submitters, no conflicts (2 of 4 stars). 3 submissions from 3 submitters: Benign (1); Likely benign (2). Last evaluated 2025-12-20.

Conditions:
Mitochondrial complex II deficiency, nuclear type 1. Also called: SUCCINATE CoQ REDUCTASE DEFICIENCY. Identifiers: Orphanet 3208, MedGen C5700310, MONDO:0100294, OMIM 252011.
Pheochromocytoma/paraganglioma syndrome 5. Also called: Paragangliomas 5; SDHA-Related Hereditary Paraganglioma-Pheochromocytoma Syndrome. Identifiers: Orphanet 29072, MedGen C3279992, MONDO:0013602, OMIM 614165.
Hereditary cancer-predisposing syndrome. Also called: Neoplastic Syndromes, Hereditary; Hereditary Cancer Syndrome; Hereditary neoplastic syndrome; Tumor predisposition. Identifiers: Orphanet 140162, MedGen C0027672, MeSH D009386, MONDO:0015356.

Allele frequency attached by ClinVar (database versions not stated): gnomAD exomes below 0.00001; TOPMed 0.00001.
gnomAD v4.1: 6 of 1,612,030 alleles (0.00037%); highest among the groups gnomAD compares: East Asian, 0.0089%; no homozygotes.

Submissions (3):

Labcorp Genetics (formerly Invitae), Labcorp
Classification: Likely benign for Pheochromocytoma/paraganglioma syndrome 5; Mitochondrial complex II deficiency, nuclear type 1. Last evaluated: 2025-12-20. Review status: criteria provided, single submitter. Criteria: Invitae Variant Classification Sherloc (09022015). Collection method: clinical testing. Allele origin: germline.

Myriad Genetics, Inc.
Classification: Benign for Pheochromocytoma/paraganglioma syndrome 5. Last evaluated: 2025-03-10. Review status: criteria provided, single submitter. Criteria: Myriad Autosomal Dominant, Autosomal Recessive and X-Linked Classification Criteria (2023). Collection method: clinical testing. Allele origin: unknown.
Comment: This variant is considered benign. This variant is a silent/synonymous amino acid change and it is not expected to impact splicing.

Ambry Genetics
Classification: Likely benign for Hereditary cancer-predisposing syndrome. Last evaluated: 2022-02-28. Review status: criteria provided, single submitter. Criteria: Ambry Variant Classification Scheme 2023. Collection method: clinical testing. Allele origin: germline.

NM_004168.4(SDHA):c.1599A>G (p.Gln533=)

Gene: SDHA (succinate dehydrogenase complex flavoprotein subunit A; plus strand). Cytogenetic location: 5p15.33.
Variant type: single nucleotide variant.
Coding change: c.1599A>G on transcript NM_004168.4 (MANE Select); coding-DNA position 1599, A replaced by G.
Protein change: p.Gln533=; no amino-acid change (glutamine 533 retained).
Molecular consequence: synonymous variant. On other transcripts: intron variant (1).
Genome position (GRCh38, 1-based): chr5:251,039, A>G. VCF-style: chr5-251039-A-G. GRCh37 (hg19) VCF-style: chr5-251154-A-G.
Other names: c.1455A>G, p.Gln485= (NM_001294332.2); c.1552-3354A>G (NM_001330758.2).
Identifiers: ClinVar variation 472343 (VCV000472343.12), dbSNP rs1407806818, ClinGen allele CA442657282.
Genomic context (GRCh38, chr5:251,039, plus strand): 5'-TTTTGTGCCACAGTCAATGCAAAATCATGCTGCCGTGTTCCGTGTGGGAAGCGTGTTGCA[A>G]GAAGGTTGTGGGAAAATCAGCAAGCTCTATGGAGACCTAAAGCACCTGAAGACGTTCGAC-3'
Protein context (NP_004159.2, residues 523-543): AAVFRVGSVL[Gln533=]EGCGKISKLY